The following is an entry in ClinVar:

ClinVar aggregate classification (germline): Likely benign (1 of 4 stars; one submission).

Allele frequency attached by ClinVar (database versions not stated): ExAC 0.00001; TOPMed 0.00002; gnomAD 0.00003.
gnomAD v4.1: 63 of 1,613,790 alleles (0.0039%); highest among the groups gnomAD compares: Middle Eastern, 0.082%; no homozygotes.

Submission:

CeGaT Center for Human Genetics Tuebingen
Classification: Likely benign. Last evaluated: 2023-01-01. Review status: criteria provided, single submitter. Criteria: CeGaT Center For Human Genetics Tuebingen Variant Classification Criteria Version 2. Collection method: clinical testing. Allele origin: germline. Affected: yes. Observed: 1 variant allele.
Comment: MAPK8IP3: BP4, BP7

NM_001318852.2(MAPK8IP3):c.1359C>T (p.Ser453=)

Gene: MAPK8IP3 (mitogen-activated protein kinase 8 interacting protein 3; plus strand). Cytogenetic location: 16p13.3.
Variant type: single nucleotide variant.
Coding change: c.1359C>T on transcript NM_001318852.2 (MANE Select); coding-DNA position 1359, C replaced by T.
Protein change: p.Ser453=; no amino-acid change (serine 453 retained).
Molecular consequence: synonymous variant.
Genome position (GRCh38, 1-based): chr16:1,760,434, C>T. VCF-style: chr16-1760434-C-T. GRCh37 (hg19) VCF-style: chr16-1810435-C-T.
Other names: c.1356C>T, p.Ser452= (NM_015133.5, NM_033392.3); c.1338C>T, p.Ser446= (NM_001040439.2).
Identifiers: ClinVar variation 2645915 (VCV002645915.24), dbSNP rs763595392, ClinGen allele CA7816814.